The following is an entry in ClinVar:

NM_145068.4(TRPV3):c.1083C>T (p.Leu361=)

Gene: TRPV3 (transient receptor potential cation channel subfamily V member 3; minus strand). Cytogenetic location: 17p13.2.
Variant type: single nucleotide variant.
Coding change: c.1083C>T on transcript NM_145068.4 (MANE Select); coding-DNA position 1083, C replaced by T.
Protein change: p.Leu361=; no amino-acid change (leucine 361 retained).
Molecular consequence: synonymous variant.
Genome position (GRCh38, 1-based): chr17:3,530,186, G>A on the plus strand (C>T on the coding strand, the complement: TRPV3 is on the minus strand). VCF-style: chr17-3530186-G-A. GRCh37 (hg19) VCF-style: chr17-3433480-G-A.
Other names: c.1083C>T, p.Leu361= (NM_001258205.2).
Identifiers: ClinVar variation 322776 (VCV000322776.13), dbSNP rs193231694, ClinGen allele CA8289593.

ClinVar aggregate classification (germline): Benign/Likely benign. Review status: criteria provided, multiple submitters, no conflicts (2 of 4 stars). 3 submissions from 3 submitters: Benign (2); Likely benign (1). Last evaluated 2025-03-05.

Conditions:
Isolated focal non-epidermolytic palmoplantar keratoderma. Also called: Palmoplantar keratoderma, nonepidermolytic, focal 2. Identifiers: Orphanet 448264, MedGen C4225339, MONDO:0014622, OMIM 616400.

Allele frequency attached by ClinVar (database versions not stated): gnomAD exomes 0.00003 and 0.00021; gnomAD 0.00018 and 0.00019; 1000 Genomes Project 0.00020; TOPMed 0.00022; ExAC 0.00024; 1000 Genomes Project 30x 0.00078.
gnomAD v4.1: 159 of 1,612,994 alleles (0.0099%); highest among the groups gnomAD compares: East Asian, 0.13%; 3 homozygotes.

Submissions (3):

Labcorp Genetics (formerly Invitae), Labcorp
Classification: Benign. Last evaluated: 2025-03-05. Review status: criteria provided, single submitter. Criteria: Invitae Variant Classification Sherloc (09022015). Collection method: clinical testing. Allele origin: germline.

Blueprint Genetics
Classification: Likely benign. Last evaluated: 2024-11-07. Review status: criteria provided, single submitter. Criteria: ACMG Guidelines, 2015. Collection method: clinical testing. Allele origin: germline.

Illumina Laboratory Services, Illumina
Classification: Benign for Isolated focal non-epidermolytic palmoplantar keratoderma. Last evaluated: 2018-01-12. Review status: criteria provided, single submitter. Criteria: ICSL Variant Classification Criteria 13 December 2019. Collection method: clinical testing. Allele origin: germline.
Comment: This variant was observed in the ICSL laboratory as part of a predisposition screen in an ostensibly healthy population. It had not been previously curated by ICSL or reported in the Human Gene Mutation Database (HGMD: prior to June 1st, 2018), and was therefore a candidate for classification through an automated scoring system. Utilizing variant allele frequency, disease prevalence and penetrance estimates, and inheritance mode, an automated score was calculated to assess if this variant is too frequent to cause the disease. Based on the score and internal cut-off values, a variant classified as benign is not then subjected to further curation. The score for this variant resulted in a classification of benign for this disease.